The following is an entry in ClinVar:

ClinVar aggregate classification (germline): Pathogenic. Review status: criteria provided, multiple submitters, no conflicts (2 of 4 stars). 2 submissions from 2 submitters: Pathogenic (2). Last evaluated 2023-03-11.

Conditions:
Alstrom syndrome (ALMS). Identifiers: Orphanet 64, MedGen C0268425, MONDO:0008763, OMIM 203800.

Submissions (2):

Labcorp Genetics (formerly Invitae), Labcorp
Classification: Pathogenic for Alstrom syndrome. Last evaluated: 2023-03-11. Review status: criteria provided, single submitter. Criteria: Invitae Variant Classification Sherloc (09022015). Collection method: clinical testing. Allele origin: germline.
Comment: For these reasons, this variant has been classified as Pathogenic. ClinVar contains an entry for this variant (Variation ID: 1878332). This variant is also known as Q2471X. This premature translational stop signal has been observed in individual(s) with Alström syndrome (PMID: 18654604, 21157496). This variant is not present in population databases (gnomAD no frequency). This sequence change creates a premature translational stop signal (p.Gln2742*) in the ALMS1 gene. It is expected to result in an absent or disrupted protein product. Loss-of-function variants in ALMS1 are known to be pathogenic (PMID: 17594715).

Women's Health and Genetics/Laboratory Corporation of America, LabCorp
Classification: Pathogenic for Alstrom syndrome. Last evaluated: 2022-12-02. Review status: criteria provided, single submitter. Criteria: LabCorp Variant Classification Summary - May 2015. Collection method: clinical testing. Allele origin: germline.
Comment: Variant summary: ALMS1 c.8218C>T/p.Gln2740X (also known as c.8224C>T/p.Gln2742X in RefSeq) results in a premature termination codon, predicted to cause a truncation of the encoded protein or absence of the protein due to nonsense mediated decay, which are commonly known mechanisms for disease. Truncations downstream of this position have been classified as pathogenic by our laboratory. The variant was absent in 249458 control chromosomes. c.8218C>T has been reported in the literature in individuals affected with Alstrom Syndrome. These data indicate that the variant is likely to be associated with disease. No clinical diagnostic laboratories have submitted clinical-significance assessments for this variant to ClinVar after 2014. Based on the evidence outlined above, the variant was classified as pathogenic.

Literature cited by the submitters: PubMed 18654604 (cited by Labcorp Genetics (formerly Invitae), Labcorp and Women's Health and Genetics/Laboratory Corporation of America, LabCorp); PubMed 21157496 (cited by Labcorp Genetics (formerly Invitae), Labcorp and Women's Health and Genetics/Laboratory Corporation of America, LabCorp); PubMed 17594715 (cited by Labcorp Genetics (formerly Invitae), Labcorp).

NM_001378454.1(ALMS1):c.8221C>T (p.Gln2741Ter)

Gene: ALMS1 (ALMS1 centrosome and basal body associated protein; plus strand). Cytogenetic location: 2p13.1.
Variant type: single nucleotide variant.
Coding change: c.8221C>T on transcript NM_001378454.1 (MANE Select); coding-DNA position 8221, C replaced by T.
Protein change: p.Gln2741Ter; replaces glutamine 2741 with a stop codon.
Molecular consequence: nonsense.
Genome position (GRCh38, 1-based): chr2:73,490,180, C>T. VCF-style: chr2-73490180-C-T. GRCh37 (hg19) VCF-style: chr2-73717307-C-T.
Other names: c.8224C>T, p.Gln2742Ter (NM_015120.4); short protein forms Q2742*, Q2741*.
Identifiers: ClinVar variation 1878332 (VCV001878332.4), dbSNP rs2466214814, ClinGen allele CA347267898.